The following is an entry in ClinVar:

NM_000535.7(PMS2):c.2303T>C (p.Ile768Thr)

Gene: PMS2 (PMS1 homolog 2, mismatch repair system component; minus strand). Cytogenetic location: 7p22.1.
Variant type: single nucleotide variant.
Coding change: c.2303T>C on transcript NM_000535.7 (MANE Select); coding-DNA position 2303, T replaced by C.
Protein change: p.Ile768Thr; replaces isoleucine 768 with threonine.
Molecular consequence: missense variant.
Genome position (GRCh38, 1-based): chr7:5,977,730, A>G on the plus strand (T>C on the coding strand, the complement: PMS2 is on the minus strand). VCF-style: chr7-5977730-A-G. GRCh37 (hg19) VCF-style: chr7-6017361-A-G.
Other names: c.1898T>C, p.Ile633Thr (NM_001322003.2, NM_001322004.2, NM_001322005.2); c.2147T>C, p.Ile716Thr (NM_001322006.2); c.1985T>C, p.Ile662Thr (NM_001322007.2, NM_001322008.2); c.1931T>C, p.Ile644Thr (NM_001322009.2); c.1742T>C, p.Ile581Thr (NM_001322010.2); c.1370T>C, p.Ile457Thr (NM_001322011.2, NM_001322012.2); c.1730T>C, p.Ile577Thr (NM_001322013.2); c.2336T>C, p.Ile779Thr (NM_001322014.2); and 1 more; short protein forms I457T, I577T, I581T, I633T, I644T, I662T, I665T, I716T.
Identifiers: ClinVar variation 1692462 (VCV001692462.1), dbSNP rs1583281424, ClinGen allele CA366736076.

ClinVar aggregate classification (germline): Uncertain significance (1 of 4 stars; one submission).

Conditions:
Hereditary cancer-predisposing syndrome. Also called: Hereditary Cancer Syndrome; Hereditary neoplastic syndrome; Neoplastic Syndromes, Hereditary; Tumor predisposition. Identifiers: Orphanet 140162, MedGen C0027672, MeSH D009386, MONDO:0015356.

Submission:

Sema4
Classification: Uncertain significance for Hereditary cancer-predisposing syndrome. Last evaluated: 2021-05-17. Review status: criteria provided, single submitter. Criteria: Sema4 Curation Guidelines. Collection method: curation. Allele origin: germline.
Comment: To the best of our knowledge, the PMS2 c.2303T>C (p.I768T) has not been reported in individuals with PMS2-related disease. It was not observed in the large and broad cohorts of the Genome Aggregation Database (PMID: 32461654). The variant has not been reported in ClinVar. In silico tools suggest the impact of the variant on protein function is inconclusive, though these predictions have not been confirmed by functional studies. The evidence is insufficient to meet ACMG/AMP criteria for classifying the variant as benign or pathogenic. Thus, the clinical significance of this variant is currently uncertain.